The following is an entry in ClinVar:

ClinVar aggregate classification (germline): Benign/Likely benign. Review status: criteria provided, multiple submitters, no conflicts (2 of 4 stars). 24 submissions from 24 submitters: Benign (14); Likely benign (2). 8 of the submissions do not count toward it. Last evaluated 2026-09-01.

Conditions:
Gastric adenocarcinoma and proximal polyposis of the stomach (GAPPS). Also called: Polyposis, gastric, Dos Santos and de Magalhaes 1980; Gastric Adenocarcinoma and Proximal Polyposis of the Stomach (GAPPS); POLYPOSIS, GASTRIC. Identifiers: Orphanet 314022, MedGen C4749917, MONDO:0017790, OMIM 619182.
Colorectal cancer. Also called: Colorectal cancer, somatic; Malignant Colorectal Neoplasm. Identifiers: MedGen C0346629, MONDO:0005575, OMIM 114500.
Gastric cancer. Also called: Malignant tumor of stomach; Stomach cancer. Identifiers: MedGen C0024623, MeSH D013274, MONDO:0001056, OMIM 613659, HP:0012126.
Familial adenomatous polyposis 1 (FAP1). Also called: POLYPOSIS, ADENOMATOUS INTESTINAL; FAMILIAL ADENOMATOUS POLYPOSIS 1, ATTENUATED. Identifiers: MedGen C2713442, MONDO:0021056, OMIM 175100. Disease mechanism: loss of function.
Hepatocellular carcinoma (HCC). Also called: Primary carcinoma of liver; HEPATOMA; LIVER CELL CARCINOMA. Identifiers: Orphanet 88673, MedGen C2239176, MONDO:0007256, OMIM 114550, HP:0001402.
Desmoid disease, hereditary (DESMD). Also called: FIBROMATOSIS, FAMILIAL INFILTRATIVE. Identifiers: Orphanet 873, MedGen C1851124, OMIM 135290. Disease mechanism: loss of function.
APC-Associated Polyposis Disorders.
Hereditary cancer-predisposing syndrome. Also called: Neoplastic Syndromes, Hereditary; Tumor predisposition; Hereditary neoplastic syndrome; Hereditary Cancer Syndrome. Identifiers: Orphanet 140162, MedGen C0027672, MeSH D009386, MONDO:0015356.
Carcinoma of colon (CRC). Also called: Colonic carcinoma; Colon carcinoma. Identifiers: MedGen C0699790, MONDO:0002032.

Allele frequency attached by ClinVar (database versions not stated): gnomAD 0.00705; gnomAD exomes 0.00719; TOPMed 0.00788; ExAC 0.00810; ESP Exome Variant Server 0.01007; 1000 Genomes Project 30x 0.00484; 1000 Genomes Project 0.00559.
gnomAD v4.1: 17,659 of 1,613,842 alleles (1.1%); highest among the groups gnomAD compares: Non-Finnish European, 1.3%; 111 homozygotes.

Submissions (24):

CeGaT Center for Human Genetics Tuebingen
Classification: Benign. Last evaluated: 2026-09-01. Review status: criteria provided, single submitter. Criteria: CeGaT Center For Human Genetics Tuebingen Variant Classification Criteria Version 2. Collection method: clinical testing. Allele origin: germline. Affected: yes. Observed: 116 variant alleles.
Comment: APC: BP4, BP7, BS1, BS2

Labcorp Genetics (formerly Invitae), Labcorp
Classification: Benign for Familial adenomatous polyposis 1. Last evaluated: 2026-02-04. Review status: criteria provided, single submitter. Criteria: Invitae Variant Classification Sherloc (09022015). Collection method: clinical testing. Allele origin: germline.

Center for Genomic Medicine, Rigshospitalet, Copenhagen University Hospital
Classification: Benign. Last evaluated: 2025-03-04. Review status: criteria provided, single submitter. Criteria: ACMG Guidelines, 2015. Collection method: clinical testing. Allele origin: germline.

ARUP Laboratories, Molecular Genetics and Genomics, ARUP Laboratories
Classification: Benign. Last evaluated: 2024-12-17. Review status: criteria provided, single submitter. Criteria: ARUP Molecular Germline Variant Investigation Process 2024. Collection method: clinical testing. Allele origin: germline.

Blueprint Genetics
Classification: Likely benign. Last evaluated: 2024-11-21. Review status: criteria provided, single submitter. Criteria: ACMG Guidelines, 2015. Collection method: clinical testing. Allele origin: germline.

Myriad Genetics, Inc.
Classification: Benign for Familial adenomatous polyposis 1. Last evaluated: 2024-03-26. Review status: criteria provided, single submitter. Criteria: Myriad Autosomal Dominant, Autosomal Recessive and X-Linked Classification Criteria (2023). Collection method: clinical testing. Allele origin: unknown.
Comment: This variant is considered benign. This variant is a silent/synonymous amino acid change and it is not expected to impact splicing.

KCCC/NGS Laboratory, Kuwait Cancer Control Center
Classification: Benign for Familial adenomatous polyposis 1. Last evaluated: 2023-07-07. Review status: criteria provided, single submitter. Criteria: ACMG Guidelines, 2015. Collection method: clinical testing. Allele origin: germline. Affected: yes.

Institute for Biomarker Research, Medical Diagnostic Laboratories, L.L.C.
Classification: Benign for Hereditary cancer-predisposing syndrome. Last evaluated: 2022-11-22. Review status: criteria provided, single submitter. Criteria: ACMG Guidelines, 2015. Collection method: clinical testing. Allele origin: germline.

Fulgent Genetics
Classification: Benign for Colorectal cancer; Hepatocellular carcinoma; Desmoid disease, hereditary; Familial adenomatous polyposis 1; Gastric cancer; Gastric adenocarcinoma and proximal polyposis of the stomach. Last evaluated: 2022-03-04. Review status: criteria provided, single submitter. Criteria: ACMG Guidelines, 2015. Collection method: clinical testing. Allele origin: unknown.

Sema4
Classification: Benign for Hereditary cancer-predisposing syndrome. Last evaluated: 2021-05-11. Review status: criteria provided, single submitter. Criteria: Sema4 Curation Guidelines. Collection method: curation. Allele origin: germline.

Illumina Laboratory Services, Illumina
Classification: Benign for APC-Associated Polyposis Disorders. Last evaluated: 2018-01-13. Review status: criteria provided, single submitter. Criteria: ICSL Variant Classification Criteria 13 December 2019. Collection method: clinical testing. Allele origin: germline.
Comment: This variant was observed in the ICSL laboratory as part of a predisposition screen in an ostensibly healthy population. It had not been previously curated by ICSL or reported in the Human Gene Mutation Database (HGMD: prior to June 1st, 2018), and was therefore a candidate for classification through an automated scoring system. Utilizing variant allele frequency, disease prevalence and penetrance estimates, and inheritance mode, an automated score was calculated to assess if this variant is too frequent to cause the disease. Based on the score and internal cut-off values, a variant classified as benign is not then subjected to further curation. The score for this variant resulted in a classification of benign for this disease.

Color Diagnostics, LLC DBA Color Health
Classification: Benign for Hereditary cancer-predisposing syndrome. Last evaluated: 2016-03-17. Review status: criteria provided, single submitter. Criteria: ACMG Guidelines, 2015. Collection method: clinical testing. Allele origin: germline.

GeneDx
Classification: Benign. Last evaluated: 2015-03-03. Review status: criteria provided, single submitter. Criteria: GeneDx Variant Classification Process June 2021. Collection method: clinical testing. Allele origin: germline. Affected: yes.

Ambry Genetics
Classification: Benign for Hereditary cancer-predisposing syndrome. Last evaluated: 2014-11-18. Review status: criteria provided, single submitter. Criteria: Ambry Variant Classification Scheme 2023. Collection method: clinical testing. Allele origin: germline.

Breakthrough Genomics
Classification: Likely benign. Review status: criteria provided, single submitter. Criteria: ACMG Guidelines, 2015. Collection method: not provided. Allele origin: germline. Inheritance: Autosomal dominant inheritance. Affected: yes.

PreventionGenetics, part of Exact Sciences
Classification: Benign. Review status: criteria provided, single submitter. Criteria: ACMG Guidelines, 2015. Collection method: clinical testing. Allele origin: germline.

True Health Diagnostics
Classification: Benign for Hereditary cancer-predisposing syndrome. Last evaluated: 2017-09-28. Review status: no assertion criteria provided. Collection method: clinical testing. Allele origin: germline. Not counted in ClinVar's aggregate classification.

Clinical Genetics DNA and cytogenetics Diagnostics Lab, Erasmus MC, Erasmus Medical Center
Classification: Benign. Review status: no assertion criteria provided. Collection method: clinical testing. Allele origin: germline. Affected: yes. Study: VKGL Data-share Consensus. Not counted in ClinVar's aggregate classification.

Clinical Genetics, Academic Medical Center
Classification: Benign. Review status: no assertion criteria provided. Collection method: clinical testing. Allele origin: germline. Affected: yes. Study: VKGL Data-share Consensus. Not counted in ClinVar's aggregate classification.

Department of Pathology and Laboratory Medicine, Sinai Health System
Classification: Benign for Carcinoma of colon. Review status: no assertion criteria provided. Collection method: clinical testing. Allele origin: unknown. Affected: yes. Study: The Canadian Open Genetics Repository (COGR). Not counted in ClinVar's aggregate classification.
Comment: The Pro1442Pro variant is not expected to have clinical significance because it does not alter an amino acid residue, is not located near a splice junction, is listed in dbSNP (rs67622085) from a clinical source with an average heterozygosity and standard error of 0.018 +/- 0.093, and a global minor allele frequency (MAF) of 0.006 (1000 Genomes). It has not been previously identified by our laboratory among the 973 individuals who have undergone APC testing, but has been reported in the literature in 5/528 proband chromosomes (frequency 0.009) from individuals with colorectal cancer and sporadic ependymomas. It was found at higher frequencies in the 4/282 control chromosomes (frequency 0.014), increasing the likelihood that this is a benign variant (Onilude_2006_16843107, Worm_2004_15133491, Zhou_2004_15122587). In summary, based on the above information, the p.Pro1442ro variant is classified as benign.

Genome Diagnostics Laboratory, Amsterdam University Medical Center
Classification: Benign. Review status: no assertion criteria provided. Collection method: clinical testing. Allele origin: germline. Affected: yes. Study: VKGL Data-share Consensus. Not counted in ClinVar's aggregate classification.

Joint Genome Diagnostic Labs from Nijmegen and Maastricht, Radboudumc and MUMC+
Classification: Benign. Review status: no assertion criteria provided. Collection method: clinical testing. Allele origin: germline. Affected: yes. Study: VKGL Data-share Consensus. Not counted in ClinVar's aggregate classification.

Laboratory of Diagnostic Genome Analysis, Leiden University Medical Center (LUMC)
Classification: Benign. Review status: no assertion criteria provided. Collection method: clinical testing. Allele origin: germline. Affected: yes. Study: VKGL Data-share Consensus. Not counted in ClinVar's aggregate classification.

Mayo Clinic Laboratories, Mayo Clinic
Classification: Likely benign. Review status: no assertion criteria provided. Collection method: clinical testing. Allele origin: unknown. Not counted in ClinVar's aggregate classification.

NM_000038.6(APC):c.4326T>A (p.Pro1442=)

Gene: APC (APC regulator of Wnt signaling pathway; plus strand). Cytogenetic location: 5q22.2.
Variant type: single nucleotide variant.
Coding change: c.4326T>A on transcript NM_000038.6 (MANE Select); coding-DNA position 4326, T replaced by A.
Protein change: p.Pro1442=; no amino-acid change (proline 1442 retained).
Molecular consequence: synonymous variant.
Genome position (GRCh38, 1-based): chr5:112,839,920, T>A. VCF-style: chr5-112839920-T-A. GRCh37 (hg19) VCF-style: chr5-112175617-T-A.
Other names: CCDS4107.1:c.4326T>A; c.4326T>A, p.Pro1442= (NM_001127510.3, NM_001354895.2); c.4272T>A, p.Pro1424= (NM_001127511.3); c.4380T>A, p.Pro1460= (NM_001354896.2); c.4356T>A, p.Pro1452= (NM_001354897.2); c.4251T>A, p.Pro1417= (NM_001354898.2); c.4242T>A, p.Pro1414= (NM_001354899.2); c.4203T>A, p.Pro1401= (NM_001354900.2); and 6 more.
Identifiers: ClinVar variation 132705 (VCV000132705.89), dbSNP rs67622085, ClinGen allele CA009438.
Genomic context (GRCh38, chr5:112,839,920, plus strand): 5'-TCTTCCAGATAGCCCTGGACAAACCATGCCACCAAGCAGAAGTAAAACACCTCCACCACC[T>A]CCTCAAACAGCTCAAACCAAGCGAGAAGTACCTAAAAATAAAGCACCTACTGCTGAAAAG-3'
Protein context (NP_000029.2, residues 1432-1452): PPSRSKTPPP[Pro1442=]PQTAQTKREV